The following is an entry in ClinVar:

ClinVar aggregate classification (germline): Uncertain significance. Review status: criteria provided, single submitter (1 of 4 stars). 2 submissions from 2 submitters: Uncertain significance (1). 1 of the submissions does not count toward it. Last evaluated 2025-08-31.

Conditions:
Inborn genetic diseases. Identifiers: MedGen C0950123, MeSH D030342.
PHIP-related disorder. Also called: PHIP-related condition; PHIP-related disorders.

gnomAD v4.1: 1 of 1,593,254 alleles (0.000063%); highest among the groups gnomAD compares: African/African-American, 0.0014%; no homozygotes.

Submissions (2):

Ambry Genetics
Classification: Uncertain significance for Inborn genetic diseases. Last evaluated: 2025-08-31. Review status: criteria provided, single submitter. Criteria: Ambry Variant Classification Scheme 2023. Collection method: clinical testing. Allele origin: germline.

PreventionGenetics, part of Exact Sciences
Classification: Uncertain significance for PHIP-related condition. Last evaluated: 2024-05-14. Review status: no assertion criteria provided. Collection method: clinical testing. Allele origin: germline. Not counted in ClinVar's aggregate classification.
Comment: The PHIP c.4309A>G variant is predicted to result in the amino acid substitution p.Ile1437Val. To our knowledge, this variant has not been reported in the literature or in gnomAD, indicating this variant is rare. At this time, the clinical significance of this variant is uncertain due to the absence of conclusive functional and genetic evidence.

NM_017934.7(PHIP):c.4309A>G (p.Ile1437Val)

Genes: IRAK1BP1 (interleukin 1 receptor associated kinase 1 binding protein 1; plus strand), PHIP (PHIP subunit of CUL4-Ring ligase complex; minus strand). Cytogenetic location: 6q14.1.
Variant type: single nucleotide variant.
Coding change: c.4309A>G on transcript NM_017934.7 (MANE Select); coding-DNA position 4309, A replaced by G.
Protein change: p.Ile1437Val; replaces isoleucine 1437 with valine.
Molecular consequence: missense variant.
Genome position (GRCh38, 1-based): chr6:78,946,772, T>C on the plus strand (A>G on the coding strand, the complement: PHIP is on the minus strand). VCF-style: chr6-78946772-T-C. GRCh37 (hg19) VCF-style: chr6-79656489-T-C.
Other names: c.4309A>G (NM_017934.5); short protein forms I1437V.
Identifiers: ClinVar variation 3344929 (VCV003344929.2).